The following is an entry in ClinVar:

NM_032119.4(ADGRV1):c.11745T>C (p.Phe3915=)

Gene: ADGRV1 (adhesion G protein-coupled receptor V1; plus strand). Cytogenetic location: 5q14.3.
Variant type: single nucleotide variant.
Coding change: c.11745T>C on transcript NM_032119.4 (MANE Select); coding-DNA position 11745, T replaced by C.
Protein change: p.Phe3915=; no amino-acid change (phenylalanine 3915 retained).
Molecular consequence: synonymous variant. On other transcripts: non-coding transcript variant (1).
Genome position (GRCh38, 1-based): chr5:90,756,618, T>C. VCF-style: chr5-90756618-T-C. GRCh37 (hg19) VCF-style: chr5-90052435-T-C.
Identifiers: ClinVar variation 179932 (VCV000179932.24), dbSNP rs201453118, ClinGen allele CA185456.

ClinVar aggregate classification (germline): Conflicting classifications of pathogenicity. Review status: criteria provided, conflicting classifications (1 of 4 stars). 6 submissions from 6 submitters: Uncertain significance (1); Likely benign (4). 1 of the submissions does not count toward it. Last evaluated 2026-01-27.

Conditions:
ADGRV1-related disorder. Also called: ADGRV1-related disorders; ADGRV1-related condition.
Usher syndrome type 2C. Also called: USHER SYNDROME, TYPE IIC; Usher syndrome, type 2B. Identifiers: Orphanet 231178, Orphanet 886, MedGen C2931213, MONDO:0011558, OMIM 605472.

Allele frequency attached by ClinVar (database versions not stated): ESP Exome Variant Server 0.00008; gnomAD exomes 0.00013 and 0.00018; TOPMed 0.00013; gnomAD 0.00014 and 0.00016; 1000 Genomes Project 30x 0.00016; 1000 Genomes Project 0.00020; ExAC 0.00022.
gnomAD v4.1: 210 of 1,613,426 alleles (0.013%); highest among the groups gnomAD compares: Middle Eastern, 0.033%; no homozygotes.

Submissions (6):

Labcorp Genetics (formerly Invitae), Labcorp
Classification: Likely benign. Last evaluated: 2026-01-27. Review status: criteria provided, single submitter. Criteria: Invitae Variant Classification Sherloc (09022015). Collection method: clinical testing. Allele origin: germline.

Blueprint Genetics
Classification: Likely benign. Last evaluated: 2024-10-22. Review status: criteria provided, single submitter. Criteria: ACMG Guidelines, 2015. Collection method: clinical testing. Allele origin: germline.

GeneDx
Classification: Likely benign. Last evaluated: 2019-11-20. Review status: criteria provided, single submitter. Criteria: GeneDx Variant Classification Process June 2021. Collection method: clinical testing. Allele origin: germline. Affected: yes.

Illumina Laboratory Services, Illumina
Classification: Uncertain significance for Usher syndrome type 2C. Last evaluated: 2018-01-13. Review status: criteria provided, single submitter. Criteria: ICSL Variant Classification Criteria 13 December 2019. Collection method: clinical testing. Allele origin: germline.

Laboratory for Molecular Medicine, Mass General Brigham Personalized Medicine
Classification: Likely benign. Last evaluated: 2014-08-07. Review status: criteria provided, single submitter. Criteria: LMM Criteria. Collection method: clinical testing. Allele origin: germline. Observed: 1 variant allele.
Comment: Phe3915Phe in exon 56 of GPR98: This variant is not expected to have clinical s ignificance because it does not alter an amino acid residue and is not located w ithin the splice consensus sequence. It has been identified in 1/8196 of Europea n American chromosomes by the NHLBI Exome Sequencing Project and in 0.8% (1/122) of African American chromosomes by the 1000 Genomes Project (dbSNP rs201453118).

PreventionGenetics, part of Exact Sciences
Classification: Likely benign for ADGRV1-related condition. Last evaluated: 2023-11-22. Review status: no assertion criteria provided. Collection method: clinical testing. Allele origin: germline. Not counted in ClinVar's aggregate classification.
Comment: This variant is classified as likely benign based on ACMG/AMP sequence variant interpretation guidelines (Richards et al. 2015 PMID: 25741868, with internal and published modifications).